The following is an entry in ClinVar:

ClinVar aggregate classification (germline): Uncertain significance (1 of 4 stars; one submission).

Conditions:
Inborn genetic diseases. Identifiers: MedGen C0950123, MeSH D030342.

Submission:

Ambry Genetics
Classification: Uncertain significance for Inborn genetic diseases. Last evaluated: 2026-05-23. Review status: criteria provided, single submitter. Criteria: Ambry Variant Classification Scheme 2023. Collection method: clinical testing. Allele origin: germline.
Comment: The p.V346L variant (also known as c.1036G>C), located in coding exon 8 of the KDM1A gene, results from a G to C substitution at nucleotide position 1036. The valine at codon 346 is replaced by leucine, an amino acid with highly similar properties. This amino acid position is conserved. In addition, this alteration is predicted to be deleterious by in silico analysis. Based on the available evidence, the clinical significance of this variant remains unclear.

NM_001009999.3(KDM1A):c.1036G>C (p.Val346Leu)

Gene: KDM1A (lysine demethylase 1A; plus strand). Cytogenetic location: 1p36.12.
Variant type: single nucleotide variant.
Coding change: c.1036G>C on transcript NM_001009999.3 (MANE Select); coding-DNA position 1036, G replaced by C.
Protein change: p.Val346Leu; replaces valine 346 with leucine.
Molecular consequence: missense variant.
Genome position (GRCh38, 1-based): chr1:23,057,529, G>C. VCF-style: chr1-23057529-G-C. GRCh37 (hg19) VCF-style: chr1-23384022-G-C.
Other names: c.976G>C, p.Val326Leu (NM_001410763.1, NM_015013.4, NM_001363654.2); c.1036G>C, p.Val346Leu (NM_001410762.1); short protein forms V326L, V346L.
Identifiers: ClinVar variation 4858744 (VCV004858744.1).